The following is an entry in ClinVar:

ClinVar aggregate classification (germline): Likely pathogenic (1 of 4 stars; one submission).

Conditions:
Primary ciliary dyskinesia. Also called: Ciliary dyskinesia. Identifiers: Orphanet 244, MedGen C0008780, MONDO:0016575, HP:0012265.

Submission:

Natera, Inc.
Classification: Likely pathogenic for Primary ciliary dyskinesia. Last evaluated: 2025-04-03. Review status: criteria provided, single submitter. Criteria: Natera Variant Classification Schema (03/2026). Collection method: clinical testing. Allele origin: germline.
Comment: The c.1401+1G>A variant in DNAI1 is a canonical splice donor site variant predicted to affect pre-mRNA splicing, which may result in an abnormal transcript and altered protein product. This variant is expected to result in nonsense mediated decay, truncation, or a dysfunctional protein product. This variant is rare in the general population with a frequency below the threshold expected for the associated phenotype(s). This variant has been observed in one or more individuals affected with the associated recessive disease, as either homozygous or compound heterozygous with a second variant (PMID: 34556108). Given the available evidence, this variant is classified as Likely Pathogenic.

Literature cited by the submitters: PubMed 34556108.

NM_012144.4(DNAI1):c.1401+1G>A

Gene: DNAI1 (dynein axonemal intermediate chain 1; plus strand). Cytogenetic location: 9p13.3.
Variant type: single nucleotide variant.
Coding change: c.1401+1G>A on transcript NM_012144.4 (MANE Select); the canonical splice donor site of the intron after coding-DNA position 1401, G replaced by A.
Molecular consequence: splice donor variant.
Genome position (GRCh38, 1-based): chr9:34,512,199, G>A. VCF-style: chr9-34512199-G-A. GRCh37 (hg19) VCF-style: chr9-34512197-G-A.
Other names: c.1413+1G>A (NM_001281428.2).
Identifiers: ClinVar variation 4815536 (VCV004815536.1).